The following is an entry in ClinVar:

ClinVar aggregate classification (germline): Likely benign (0 of 4 stars; one submission).

Conditions:
SEMA3A-related disorder. Also called: SEMA3A-related condition.

Allele frequency attached by ClinVar (database versions not stated): gnomAD 0.00003; TOPMed 0.00007; ESP Exome Variant Server 0.00008.
gnomAD v4.1: 55 of 1,612,640 alleles (0.0034%); highest among the groups gnomAD compares: Middle Eastern, 0.033%; no homozygotes.

Submission:

PreventionGenetics, part of Exact Sciences
Classification: Likely benign for SEMA3A-related condition. Last evaluated: 2021-11-18. Review status: no assertion criteria provided. Collection method: clinical testing. Allele origin: germline.
Comment: This variant is classified as likely benign based on ACMG/AMP sequence variant interpretation guidelines (Richards et al. 2015 PMID: 25741868, with internal and published modifications).

NM_006080.3(SEMA3A):c.1849C>A (p.Arg617=)

Gene: SEMA3A (semaphorin 3A; minus strand). Cytogenetic location: 7q21.11.
Variant type: single nucleotide variant.
Coding change: c.1849C>A on transcript NM_006080.3 (MANE Select); coding-DNA position 1849, C replaced by A.
Protein change: p.Arg617=; no amino-acid change (arginine 617 retained).
Molecular consequence: synonymous variant.
Genome position (GRCh38, 1-based): chr7:83,963,216, G>T on the plus strand (C>A on the coding strand, the complement: SEMA3A is on the minus strand). VCF-style: chr7-83963216-G-T. GRCh37 (hg19) VCF-style: chr7-83592532-G-T.
Identifiers: ClinVar variation 3032537 (VCV003032537.2), dbSNP rs144701441, ClinGen allele CA4322601.